The following is an entry in ClinVar:

NM_018076.5(ODAD2):c.1548A>T (p.Lys516Asn)

Gene: ODAD2 (outer dynein arm docking complex subunit 2; minus strand). Cytogenetic location: 10p12.1.
Variant type: single nucleotide variant.
Coding change: c.1548A>T on transcript NM_018076.5 (MANE Select); coding-DNA position 1548, A replaced by T.
Protein change: p.Lys516Asn; replaces lysine 516 with asparagine.
Molecular consequence: missense variant.
Genome position (GRCh38, 1-based): chr10:27,944,417, T>A on the plus strand (A>T on the coding strand, the complement: ODAD2 is on the minus strand). VCF-style: chr10-27944417-T-A. GRCh37 (hg19) VCF-style: chr10-28233346-T-A.
Other names: c.1548A>T, p.Lys516Asn (NM_001290020.2); c.123A>T, p.Lys41Asn (NM_001290021.2); c.624A>T, p.Lys208Asn (NM_001312689.2); short protein forms K208N, K516N, K41N.
Identifiers: ClinVar variation 3639497 (VCV003639497.2).

ClinVar aggregate classification (germline): Uncertain significance (1 of 4 stars; one submission).

Conditions:
Primary ciliary dyskinesia 23 (CILD23). Also called: CILIARY DYSKINESIA, PRIMARY, 23, WITH OR WITHOUT SITUS INVERSUS. Identifiers: Orphanet 244, MedGen C3809548, MONDO:0014193, OMIM 615451.

gnomAD v4.1: 1 of 1,613,764 alleles (0.000062%); no homozygotes.

Submission:

Labcorp Genetics (formerly Invitae), Labcorp
Classification: Uncertain significance for Primary ciliary dyskinesia 23. Last evaluated: 2025-04-17. Review status: criteria provided, single submitter. Criteria: Invitae Variant Classification Sherloc (09022015). Collection method: clinical testing. Allele origin: germline.
Comment: This sequence change replaces lysine, which is basic and polar, with asparagine, which is neutral and polar, at codon 516 of the ARMC4 protein (p.Lys516Asn). This variant is not present in population databases (gnomAD no frequency). This variant has not been reported in the literature in individuals affected with ARMC4-related conditions. ClinVar contains an entry for this variant (Variation ID: 3639497). An algorithm developed to predict the effect of missense changes on protein structure and function (PolyPhen-2) suggests that this variant is likely to be disruptive. In summary, the available evidence is currently insufficient to determine the role of this variant in disease. Therefore, it has been classified as a Variant of Uncertain Significance.